The following is an entry in ClinVar:

ClinVar aggregate classification (germline): Pathogenic/Likely pathogenic. Review status: criteria provided, multiple submitters, no conflicts (2 of 4 stars). 2 submissions from 2 submitters: Pathogenic (1); Likely pathogenic (1). Last evaluated 2023-08-29.

Conditions:
Nemaline myopathy 2 (NEM2). Also called: Nemaline myopathy 2, autosomal recessive. Identifiers: MedGen C1850569, MONDO:0009725, OMIM 256030.
Arthrogryposis multiplex congenita 6. Identifiers: MedGen C5543431, MONDO:0030281, OMIM 619334.

Allele frequency attached by ClinVar (database versions not stated): gnomAD exomes below 0.00001.

Submissions (2):

Baylor Genetics
Classification: Likely pathogenic for Arthrogryposis multiplex congenita 6. Last evaluated: 2023-08-29. Review status: criteria provided, single submitter. Criteria: ACMG Guidelines, 2015. Collection method: clinical testing. Allele origin: unknown.

Labcorp Genetics (formerly Invitae), Labcorp
Classification: Pathogenic for Nemaline myopathy 2. Last evaluated: 2023-07-17. Review status: criteria provided, single submitter. Criteria: Invitae Variant Classification Sherloc (09022015). Collection method: clinical testing. Allele origin: germline.
Comment: This variant has not been reported in the literature in individuals affected with NEB-related conditions. For these reasons, this variant has been classified as Pathogenic. This variant is not present in population databases (gnomAD no frequency). This sequence change creates a premature translational stop signal (p.Gln4074*) in the NEB gene. It is expected to result in an absent or disrupted protein product. Loss-of-function variants in NEB are known to be pathogenic (PMID: 25205138).

Literature cited by the submitters: PubMed 25205138 (cited by Labcorp Genetics (formerly Invitae), Labcorp).

NM_001164508.2(NEB):c.12220C>T (p.Gln4074Ter)

Gene: NEB (nebulin; minus strand). Cytogenetic location: 2q23.3.
Variant type: single nucleotide variant.
Coding change: c.12220C>T on transcript NM_001164508.2 (MANE Select); coding-DNA position 12220, C replaced by T.
Protein change: p.Gln4074Ter; replaces glutamine 4074 with a stop codon.
Molecular consequence: nonsense.
Genome position (GRCh38, 1-based): chr2:151,609,919, G>A on the plus strand (C>T on the coding strand, the complement: NEB is on the minus strand). VCF-style: chr2-151609919-G-A. GRCh37 (hg19) VCF-style: chr2-152466433-G-A.
Other names: c.12220C>T, p.Gln4074Ter (NM_001164507.2, NM_001271208.2); c.11491C>T, p.Gln3831Ter (NM_004543.5); short protein forms Q3831*, Q4074*.
Identifiers: ClinVar variation 2677046 (VCV002677046.4), dbSNP rs2552227195, ClinGen allele CA348777111.